The following is an entry in ClinVar:

NM_001370348.2(PHF3):c.612C>T (p.Ser204=)

Gene: PHF3 (PHD finger protein 3; plus strand). Cytogenetic location: 6q12.
Variant type: single nucleotide variant.
Coding change: c.612C>T on transcript NM_001370348.2 (MANE Select); coding-DNA position 612, C replaced by T.
Protein change: p.Ser204=; no amino-acid change (serine 204 retained).
Molecular consequence: synonymous variant. On other transcripts: intron variant (1).
Genome position (GRCh38, 1-based): chr6:63,684,334, C>T. VCF-style: chr6-63684334-C-T. GRCh37 (hg19) VCF-style: chr6-64394235-C-T.
Other names: c.348C>T, p.Ser116= (NM_001290259.2, NM_001370349.2); c.612C>T, p.Ser204= (NM_001290260.2, NM_015153.4); c.-5+4173C>T (NM_001370350.2).
Identifiers: ClinVar variation 3357790 (VCV003357790.5).

ClinVar aggregate classification (germline): Likely benign. Review status: criteria provided, single submitter (1 of 4 stars). 2 submissions from 2 submitters: Likely benign (1). 1 of the submissions does not count toward it. Last evaluated 2026-03-01.

Conditions:
PHF3-related disorder. Also called: PHF3-related condition.

gnomAD v4.1: 322 of 1,613,854 alleles (0.02%); highest among the groups gnomAD compares: African/African-American, 0.36%; no homozygotes.

Submissions (2):

CeGaT Center for Human Genetics Tuebingen
Classification: Likely benign. Last evaluated: 2026-03-01. Review status: criteria provided, single submitter. Criteria: CeGaT Center For Human Genetics Tuebingen Variant Classification Criteria Version 2. Collection method: clinical testing. Allele origin: germline. Affected: yes. Observed: 1 variant allele.
Comment: PHF3: BP4, BP7

PreventionGenetics, part of Exact Sciences
Classification: Likely benign for PHF3-related condition. Last evaluated: 2024-04-17. Review status: no assertion criteria provided. Collection method: clinical testing. Allele origin: germline. Not counted in ClinVar's aggregate classification.
Comment: This variant is classified as likely benign based on ACMG/AMP sequence variant interpretation guidelines (Richards et al. 2015 PMID: 25741868, with internal and published modifications).